The following is an entry in ClinVar:

NM_172351.3(CD46):c.460C>G (p.Pro154Ala)

Gene: CD46 (CD46 molecule; plus strand). Cytogenetic location: 1q32.2.
Variant type: single nucleotide variant.
Coding change: c.460C>G on transcript NM_172351.3 (MANE Select); coding-DNA position 460, C replaced by G.
Protein change: p.Pro154Ala; replaces proline 154 with alanine.
Molecular consequence: missense variant.
Genome position (GRCh38, 1-based): chr1:207,759,709, C>G. VCF-style: chr1-207759709-C-G. GRCh37 (hg19) VCF-style: chr1-207933054-C-G.
Other names: c.460C>G, p.Pro154Ala (NM_002389.4, NM_153826.4, NM_172350.3 and 8 more transcripts); short protein forms P154A.
Identifiers: ClinVar variation 4291274 (VCV004291274.1).
Genomic context (GRCh38, chr1:207,759,709, plus strand): 5'-ATTGGTGAAGAAATTCTATATTGTGAACTTAAAGGATCAGTAGCAATTTGGAGCGGTAAG[C>G]CCCCAATATGTGAAAGTAAGTAAATTCTTTTTTTTTAAATTTAGACCAGTAGTCCTCAAA-3'
Protein context (NP_758861.1, residues 144-164): KGSVAIWSGK[Pro154Ala]PICEKVLCTP

ClinVar aggregate classification (germline): Uncertain significance (1 of 4 stars; one submission).

Conditions:
Atypical hemolytic-uremic syndrome. Identifiers: Orphanet 2134, MedGen C2931788, MONDO:0016244.

Submission:

Genomenon, Inc
Classification: Uncertain significance for Atypical hemolytic-uremic syndrome. Last evaluated: 2025-10-02. Review status: criteria provided, single submitter. Criteria: Genomenon Sequence Variant Interpretation Standards. Collection method: curation. Allele origin: germline. Affected: no.
Comment: CD46 p.Pro154Ala (c.460C>G) is a missense variant that changes the amino acid at residue 154 from Proline to Alanine. This variant has been reported in the published literature (PMID:10960475). It is absent or not present at a significant frequency in gnomAD. In silico models agree that this variant is not damaging. In conclusion, we classify CD46 p.Pro154Ala (c.460C>G) as a variant of uncertain significance.

Literature cited by the submitters: PubMed 10960475.